The following is an entry in ClinVar:

NM_001134831.2(AHI1):c.910dup (p.Thr304fs)

Gene: AHI1 (Abelson helper integration site 1; minus strand). Cytogenetic location: 6q23.3.
Variant type: Duplication.
Coding change: c.910dup on transcript NM_001134831.2 (MANE Select); coding-DNA position 910, one base duplicated (A; older notation c.910dupA).
Protein change: p.Thr304fs; shifts the reading frame from threonine 304.
Molecular consequence: frameshift variant.
Genome position (GRCh38, 1-based): chr6:135,463,146, T duplicated on the plus strand (A on the coding strand, the reverse complement: AHI1 is on the minus strand); the first of 8 consecutive T bases (chr6:135,463,146-135,463,153); duplicating any one gives the same sequence. VCF-style (leftmost placement, unchanged base first): chr6-135463145-G-GT. GRCh37 (hg19) VCF-style: chr6-135784283-G-GT.
Other names: c.910dupA (NM_001134831.2, NM_017651.4); c.910dup, p.Thr304fs (NM_001134830.2, NM_001134832.2, NM_001350503.2 and 2 more transcripts); short protein forms T304fs.
Identifiers: ClinVar variation 217536 (VCV000217536.25), dbSNP rs753874898, ClinGen allele CA277772.

ClinVar aggregate classification (germline): Pathogenic/Likely pathogenic. Review status: criteria provided, multiple submitters, no conflicts (2 of 4 stars). 13 submissions from 13 submitters: Pathogenic (11); Likely pathogenic (1). 1 of the submissions does not count toward it. Last evaluated 2026-04-23.

Conditions:
AHI1-related disorder. Also called: AHI1-related condition.
Joubert syndrome and related disorders. Identifiers: Orphanet 140874, MedGen C5679612, MONDO:0015369.
Retinal dystrophy. Also called: Inherited retinal dystrophy. Identifiers: Orphanet 71862, MedGen C0854723, MeSH D058499, MONDO:0019118, HP:0000556.
Joubert syndrome. Also called: Familial aplasia of the vermis; JOUBERT-BOLTSHAUSER SYNDROME. Identifiers: Orphanet 475, MedGen C5979921, MONDO:0018772.
Joubert syndrome 3 (JBTS3). Also called: AHI1-related Ciliopathy. Identifiers: Orphanet 220493, MedGen C1837713, MONDO:0012078, OMIM 608629.

Submissions (13):

PreventionGenetics, part of Exact Sciences
Classification: Pathogenic for AHI1-related condition. Last evaluated: 2026-04-23. Review status: criteria provided, single submitter. Criteria: ACMG Guidelines, 2015. Collection method: clinical testing. Allele origin: germline.
Comment: The AHI1 c.910dupA variant is predicted to result in a frameshift and premature protein termination (p.Thr304Asnfs*6). This variant has been reported in individuals with Joubert syndrome (see for examples: Chafai-Elalaoui et al. 2015. PubMed ID: 26541515; Enokizono et al. 2017. PubMed ID: 28431631). This variant is present in 0.026% of alleles in individuals of Latino descent in gnomAD. Frameshift variants in AHI1 are an established mechanism of disease. This variant is interpreted as pathogenic.

Labcorp Genetics (formerly Invitae), Labcorp
Classification: Pathogenic for Joubert syndrome. Last evaluated: 2026-01-09. Review status: criteria provided, single submitter. Criteria: Invitae Variant Classification Sherloc (09022015). Collection method: clinical testing. Allele origin: germline.
Comment: This sequence change creates a premature translational stop signal (p.Thr304Asnfs*6) in the AHI1 gene. It is expected to result in an absent or disrupted protein product. Loss-of-function variants in AHI1 are known to be pathogenic (PMID: 15322546, 16453322, 28442542, 29186038). The frequency data for this variant in the population databases is considered unreliable, as metrics indicate poor data quality at this position in the gnomAD database. This premature translational stop signal has been observed in individual(s) with clinical features of Joubert syndrome (PMID: 16453322, 28431631). This variant is also known as c.903insA and c.903_910insA. ClinVar contains an entry for this variant (Variation ID: 217536). For these reasons, this variant has been classified as Pathogenic.

Dasa
Classification: Pathogenic. Last evaluated: 2025-05-08. Review status: criteria provided, single submitter. Criteria: DASA Assertion Criteria. Collection method: clinical testing. Allele origin: germline.
Comment: NM_001134831.2(AHI1):c.910dup (p.Thr304Asnfs*6) introduces a premature termination codon predicted to result in loss of normal protein function. Loss-of-function is an established mechanism of disease for this gene. Segregation evidence has been reported in affected families. This variant has been reported in an affected individual with related phenotype in a genotype context consistent with recessive disease (PMID: 26541515). The variant is present at low frequency in population datasets. Based on the available data, this variant is classified as pathogenic.

Genetic Services Laboratory, University of Chicago
Classification: Likely pathogenic. Last evaluated: 2024-06-05. Review status: criteria provided, single submitter. Criteria: ACMG Guidelines, 2015. Collection method: clinical testing. Allele origin: germline. Affected: yes.
Comment: DNA sequence analysis of the AHI1 gene demonstrated a single base pair duplication in exon 7, c.910dup. This sequence change results in an amino acid frameshift and creates a premature stop codon 5 amino acids downstream of the change, p.Thr304Asnfs*6. This sequence change is predicted to result in an abnormal transcript, which may be degraded, or may lead to the production of a truncated AHI1 protein with potentially abnormal function. This sequence change has been described in the gnomAD database with a frequency of 0.008% in the overall population (dbSNP rs779410126). This sequence change has previously been described in the compound heterozygous state with a second pathogenic variant in two individuals with Joubert syndrome (PMID: 18054307). These collective evidences indicate that this sequence change is likely pathogenic , however functional studies have not been performed to prove this conclusively.

Fulgent Genetics
Classification: Pathogenic for Joubert syndrome 3. Last evaluated: 2024-03-28. Review status: criteria provided, single submitter. Criteria: ACMG Guidelines, 2015. Collection method: clinical testing. Allele origin: germline.

Blueprint Genetics
Classification: Pathogenic for AHI1-related disorders. Last evaluated: 2023-09-12. Review status: criteria provided, single submitter. Criteria: ACMG Guidelines, 2015. Collection method: clinical testing. Allele origin: germline. Affected: yes. Observed: 5 variant alleles.

Women's Health and Genetics/Laboratory Corporation of America, LabCorp
Classification: Pathogenic for Joubert syndrome and related disorders. Last evaluated: 2022-11-25. Review status: criteria provided, single submitter. Criteria: LabCorp Variant Classification Summary - May 2015. Collection method: clinical testing. Allele origin: germline.
Comment: Variant summary: AHI1 c.910dupA (p.Thr304AsnfsX6) results in a premature termination codon, predicted to cause a truncation of the encoded protein or absence of the protein due to nonsense mediated decay, which are commonly known mechanisms for disease. The variant allele was found at a frequency of 2e-05 in 147308 control chromosomes (gnomAD, v3.1). c.910dupA has been reported in the literature as a biallelic genotype in multiple individuals affected with Joubert Syndrome And Related Disorders (e.g. Valente_2006, Chafai-Elalaoui_2015). These data indicate that the variant is very likely to be associated with disease. Five submitters have provided clinical-significance assessments for this variant to ClinVar after 2014 and all classified the variant as pathogenic. Based on the evidence outlined above, the variant was classified as pathogenic.

GeneDx
Classification: Pathogenic. Last evaluated: 2022-10-04. Review status: criteria provided, single submitter. Criteria: GeneDx Variant Classification Process June 2021. Collection method: clinical testing. Allele origin: germline. Affected: yes.
Comment: Frameshift variant predicted to result in protein truncation or nonsense mediated decay in a gene for which loss of function is a known mechanism of disease; This variant is associated with the following publications: (PMID: 29186038, 28442542, 15322546, 26541515, 28431631, 33691693, 29974258, 26092869, 16453322)

Breda Genetics srl
Classification: Pathogenic for Joubert syndrome 3. Last evaluated: 2020-07-15. Review status: criteria provided, single submitter. Criteria: ACMG Guidelines, 2015. Collection method: clinical testing. Allele origin: germline. Inheritance: Autosomal recessive inheritance. Affected: yes.
Comment: The variant c.910dupA (p.Thr304Asnfs*6) is reported as pathogenic for Joubert syndrome 3 in ClinVar (Variation ID: 217536). The variant creates a shift in the reading frame which is predicted to result in a premature stop codon 6 amino acids downstream, which is likely to result in a truncated protein or protein loss due to nonsense-mediated messenger decay (NMD). The variant is present in gnomAD with an estimated allele frequency of 0.0001588, with no homozygous individuals reported. However, this variant was filtered out the gnomAD database because of it is found in a low complexity region and failed the random forest filters, due to presence of a poli-T stretch. Chafai-Elalaoui et al. (2015) reported the pathogenic variant c.910dupA (p.Thr304Asnfs*6) in the homozygous state in 3 affected sibling of a Moroccan family with Joubert syndrome (PMID: 26541515). The same mutation had already been reported by Kroes et al. (2008) in two Dutch patients in the compound heterozygous state (PMID: 18054307).

Institute of Human Genetics, University of Leipzig Medical Center
Classification: Pathogenic for Joubert syndrome 3. Last evaluated: 2020-03-01. Review status: criteria provided, single submitter. Criteria: ACMG Guidelines, 2015. Collection method: clinical testing. Allele origin: biparental. Inheritance: Autosomal recessive inheritance. Affected: yes.
Comment: Review of the variants reported in Reuter et al., 2017, PMID: 28097321: PVS1,PM2,PM3

UW Hindbrain Malformation Research Program, University of Washington
Classification: Pathogenic for Joubert syndrome 3. Last evaluated: 2015-02-23. Review status: criteria provided, single submitter. Criteria: Bachmann-Gagescu et al. (J Med Genet. 2015). Collection method: research. Allele origin: unknown. Affected: yes.

Juno Genomics, Hangzhou Juno Genomics, Inc
Classification: Pathogenic for Joubert syndrome 3. Review status: criteria provided, single submitter. Criteria: ACMG Guidelines, 2015. Collection method: clinical testing. Allele origin: germline.
Comment: Absent from controls (or at extremely low frequency if recessive) in Genome Aggregation Database.;Null variant in a gene where loss of function (LOF) is a known mechanism of disease.;For recessive disorders, detected in trans with a pathogenic variant.;Patient's phenotype or family history is highly specific for a disease with a single genetic etiology.

Institute of Human Genetics, Univ. Regensburg, Univ. Regensburg
Classification: Pathogenic for Retinal dystrophy. Last evaluated: 2019-01-01. Review status: no assertion criteria provided. Criteria: ACMG Guidelines, 2015. Collection method: clinical testing. Allele origin: germline. Affected: yes. Not counted in ClinVar's aggregate classification.

Literature cited by the submitters: PubMed 15322546 (cited by Labcorp Genetics (formerly Invitae), Labcorp); PubMed 16453322 (cited by Labcorp Genetics (formerly Invitae), Labcorp and Women's Health and Genetics/Laboratory Corporation of America, LabCorp); PubMed 28442542 (cited by Labcorp Genetics (formerly Invitae), Labcorp); PubMed 29186038 (cited by Labcorp Genetics (formerly Invitae), Labcorp); PubMed 28431631 (cited by Labcorp Genetics (formerly Invitae), Labcorp); PubMed 26541515 (cited by Dasa and Women's Health and Genetics/Laboratory Corporation of America, LabCorp).